The following is an entry in ClinVar:

ClinVar aggregate classification (germline): Likely pathogenic. Review status: criteria provided, single submitter (1 of 4 stars). 2 submissions from 2 submitters: Likely pathogenic (1). 1 of the submissions does not count toward it. Last evaluated 2024-10-04.

Conditions:
Retinitis pigmentosa 43 (RP43). Identifiers: Orphanet 791, MedGen C3151139, MONDO:0013437, OMIM 613810.
Autosomal recessive retinitis pigmentosa. Identifiers: MedGen C0339526.

Submissions (2):

Dubai Health Genomic Medicine Center, Dubai Health
Classification: Likely pathogenic for Retinitis pigmentosa 43. Last evaluated: 2024-10-04. Review status: criteria provided, single submitter. Criteria: ACMG Guidelines, 2015. Collection method: research. Allele origin: germline. Affected: yes.
Comment: PVS1,PM2

Faculty of Health Sciences, Beirut Arab University
Classification: Pathogenic for Autosomal recessive Retinitis Pigmentosa. Last evaluated: 2017-10-05. Review status: no assertion criteria provided. Collection method: literature only. Allele origin: germline. Affected: yes. Observed: 1 variant allele. Not counted in ClinVar's aggregate classification.

Literature cited by the submitters: PubMed 29118501 (cited by Faculty of Health Sciences, Beirut Arab University).

NM_000440.3(PDE6A):c.1358_1359del (p.Ile453fs)

Gene: PDE6A (phosphodiesterase 6A; minus strand). Cytogenetic location: 5q32.
Variant type: Deletion.
Coding change: c.1358_1359del on transcript NM_000440.3 (MANE Select); coding-DNA positions 1358 to 1359, 2 bases deleted (TA; older notation c.1358_1359delTA).
Protein change: p.Ile453fs; shifts the reading frame from isoleucine 453.
Molecular consequence: frameshift variant.
Genome position (GRCh38, 1-based): chr5:149,898,411-149,898,412, TA deleted on the plus strand (TA on the coding strand, the reverse complement: PDE6A is on the minus strand); deleting any 2 consecutive bases within chr5:149,898,411-149,898,413 gives the same sequence; the c. name uses the placement nearest the transcript's 3' end. VCF-style (leftmost placement, unchanged base first): chr5-149898410-CTA-C. GRCh37 (hg19) VCF-style: chr5-149277973-CTA-C.
Other names: short protein forms I453fs.
Identifiers: ClinVar variation 978988 (VCV000978988.2), dbSNP rs1752838447, ClinGen allele CA1139659155.